The following is an entry in ClinVar:

ClinVar aggregate classification (germline): Likely pathogenic (1 of 4 stars; one submission).

Allele frequency attached by ClinVar (database versions not stated): gnomAD exomes below 0.00001; TOPMed below 0.00001; gnomAD 0.00001.
gnomAD v4.1: 4 of 1,613,494 alleles (0.00025%); highest among the groups gnomAD compares: Non-Finnish European, 0.00034%; no homozygotes.

Submission:

Labcorp Genetics (formerly Invitae), Labcorp
Classification: Likely pathogenic. Last evaluated: 2023-12-04. Review status: criteria provided, single submitter. Criteria: Invitae Variant Classification Sherloc (09022015). Collection method: clinical testing. Allele origin: germline.
Comment: This sequence change replaces leucine, which is neutral and non-polar, with proline, which is neutral and non-polar, at codon 35 of the SLC45A2 protein (p.Leu35Pro). This variant is not present in population databases (gnomAD no frequency). This missense change has been observed in individual(s) with clinical features of oculocutaneous albinism (Invitae). ClinVar contains an entry for this variant (Variation ID: 1390765). Advanced modeling of protein sequence and biophysical properties (such as structural, functional, and spatial information, amino acid conservation, physicochemical variation, residue mobility, and thermodynamic stability) performed at Invitae indicates that this missense variant is expected to disrupt SLC45A2 protein function with a positive predictive value of 80%. In summary, the currently available evidence indicates that the variant is pathogenic, but additional data are needed to prove that conclusively. Therefore, this variant has been classified as Likely Pathogenic.

NM_016180.5(SLC45A2):c.104T>C (p.Leu35Pro)

Gene: SLC45A2 (solute carrier family 45 member 2; minus strand). Cytogenetic location: 5p13.2.
Variant type: single nucleotide variant.
Coding change: c.104T>C on transcript NM_016180.5 (MANE Select); coding-DNA position 104, T replaced by C.
Protein change: p.Leu35Pro; replaces leucine 35 with proline.
Molecular consequence: missense variant.
Genome position (GRCh38, 1-based): chr5:33,984,480, A>G on the plus strand (T>C on the coding strand, the complement: SLC45A2 is on the minus strand). VCF-style: chr5-33984480-A-G. GRCh37 (hg19) VCF-style: chr5-33984585-A-G.
Other names: c.104T>C, p.Leu35Pro (NM_001012509.4, NM_001297417.4); short protein forms L35P.
Identifiers: ClinVar variation 1390765 (VCV001390765.8), dbSNP rs1352205875, ClinGen allele CA359397815.
Genomic context (GRCh38, chr5:33,984,480, plus strand): 5'-TACGCTGCCTCCACCGCGTAGCAGAACTCTCTTCCGAACATGGCCATGCTGTGCATGATG[A>G]GTCTGCTGGTGGGTCTTTTAGGCGGCTCCACAGAGTCAAAGGGGCCATCATCAGCTAGGG-3'
Protein context (NP_057264.4, residues 25-45): VEPPKRPTSR[Leu35Pro]IMHSMAMFGR